The following is an entry in ClinVar:

ClinVar aggregate classification (germline): Uncertain significance (1 of 4 stars; one submission).

Conditions:
Hereditary cancer-predisposing syndrome. Also called: Tumor predisposition; Hereditary neoplastic syndrome; Hereditary Cancer Syndrome; Neoplastic Syndromes, Hereditary. Identifiers: Orphanet 140162, MedGen C0027672, MeSH D009386, MONDO:0015356.

Allele frequency attached by ClinVar (database versions not stated): TOPMed below 0.00001.
gnomAD v4.1: 8 of 1,613,754 alleles (0.0005%); highest among the groups gnomAD compares: South Asian, 0.0033%; no homozygotes.

Submission:

Ambry Genetics
Classification: Uncertain significance for Hereditary cancer-predisposing syndrome. Last evaluated: 2024-01-20. Review status: criteria provided, single submitter. Criteria: Ambry Variant Classification Scheme 2023. Collection method: clinical testing. Allele origin: germline.
Comment: The p.T234I variant (also known as c.701C>T), located in coding exon 7 of the EPCAM gene, results from a C to T substitution at nucleotide position 701. The threonine at codon 234 is replaced by isoleucine, an amino acid with similar properties. This amino acid position is conserved. In addition, this alteration is predicted to be tolerated by in silico analysis. Based on the available evidence, the clinical significance of this alteration remains unclear.

NM_002354.3(EPCAM):c.701C>T (p.Thr234Ile)

Gene: EPCAM (epithelial cell adhesion molecule; plus strand). Cytogenetic location: 2p21.
Variant type: single nucleotide variant.
Coding change: c.701C>T on transcript NM_002354.3 (MANE Select); coding-DNA position 701, C replaced by T.
Protein change: p.Thr234Ile; replaces threonine 234 with isoleucine.
Molecular consequence: missense variant.
Genome position (GRCh38, 1-based): chr2:47,379,812, C>T. VCF-style: chr2-47379812-C-T. GRCh37 (hg19) VCF-style: chr2-47606951-C-T.
Other names: short protein forms T234I.
Identifiers: ClinVar variation 3222133 (VCV003222133.1), dbSNP rs1458063720, ClinGen allele CA346724416.
Genomic context (GRCh38, chr2:47,379,812, plus strand): 5'-TCTCCTTTTCAATACAGGTTAAAGGTGAATCCTTGTTTCATTCTAAGAAAATGGACCTGA[C>T]AGTAAATGGGGAACAACTGGATCTGGATCCTGGTCAAACTTTAATTTATTATGTTGATGA-3'
Protein context (NP_002345.2, residues 224-244): SLFHSKKMDL[Thr234Ile]VNGEQLDLDP